The following is an entry in ClinVar:

NM_001267550.2(TTN):c.81159T>A (p.Tyr27053Ter)

Genes: TTN (titin; minus strand), TTN-AS1 (TTN antisense RNA 1; plus strand). Cytogenetic location: 2q31.2.
Variant type: single nucleotide variant.
Coding change: c.81159T>A on transcript NM_001267550.2 (MANE Select); coding-DNA position 81159, T replaced by A.
Protein change: p.Tyr27053Ter; replaces tyrosine 27053 with a stop codon.
Molecular consequence: nonsense.
Genome position (GRCh38, 1-based): chr2:178,564,973, A>T on the plus strand (T>A on the coding strand, the complement: TTN is on the minus strand). VCF-style: chr2-178564973-A-T. GRCh37 (hg19) VCF-style: chr2-179429700-A-T.
Other names: c.76236T>A, p.Tyr25412Ter (NM_001256850.1); c.53964T>A, p.Tyr17988Ter (NM_003319.4); c.73455T>A, p.Tyr24485Ter (NM_133378.4); c.54339T>A, p.Tyr18113Ter (NM_133432.3); c.54540T>A, p.Tyr18180Ter (NM_133437.4); short protein forms Y24485*, Y27053*, Y17988*, Y18113*, Y18180*, Y25412*.
Identifiers: ClinVar variation 1747250 (VCV001747250.2), dbSNP rs2468227378, ClinGen allele CA349583110.

ClinVar aggregate classification (germline): Likely pathogenic (1 of 4 stars; one submission).

Conditions:
Cardiovascular phenotype. Identifiers: MedGen CN230736.

Submission:

Ambry Genetics
Classification: Likely pathogenic for Cardiovascular phenotype. Last evaluated: 2022-10-19. Review status: criteria provided, single submitter. Criteria: Ambry Variant Classification Scheme 2023. Collection method: clinical testing. Allele origin: germline.
Comment: The p.Y17988* variant (also known as c.53964T>A), located in coding exon 153 of the TTN gene, results from a T to A substitution at nucleotide position 53964. This changes the amino acid from a tyrosine to a stop codon within coding exon 153. This exon is located in the A-band region of the N2-B isoform of the titin protein and is constitutively expressed in TTN transcripts (percent spliced in or PSI 100%). This variant is considered to be rare based on population cohorts in the Genome Aggregation Database (gnomAD). This alteration is expected to result in loss of function by premature protein truncation or nonsense-mediated mRNA decay. While truncating variants in TTN are present in 1-3% of the general population, truncating variants in the A-band are the most common cause of dilated cardiomyopathy (DCM) (Herman DS et al. N. Engl. J. Med., 2012 Feb;366:619-28; Roberts AM et al. Sci Transl Med, 2015 Jan;7:270ra6). TTN truncating variants encoded in constitutive exons (PSI >90%) have been found to be significantly associated with DCM regardless of their position in titin (Schafer S et al. Nat. Genet., 2017 01;49:46-53). Based on the majority of available evidence to date, this variant is likely to be pathogenic.